The following is an entry in ClinVar:

NM_005262.3(GFER):c.181G>C (p.Val61Leu)

Genes: GFER (growth factor, augmenter of liver regeneration; plus strand), LOC130058203 (ATAC-STARR-seq lymphoblastoid silent region 7014; plus strand). Cytogenetic location: 16p13.3.
Variant type: single nucleotide variant.
Coding change: c.181G>C on transcript NM_005262.3 (MANE Select); coding-DNA position 181, G replaced by C.
Protein change: p.Val61Leu; replaces valine 61 with leucine.
Molecular consequence: missense variant.
Genome position (GRCh38, 1-based): chr16:1,984,399, G>C. VCF-style: chr16-1984399-G-C. GRCh37 (hg19) VCF-style: chr16-2034400-G-C.
Other names: short protein forms V61L.
Identifiers: ClinVar variation 2128580 (VCV002128580.3), dbSNP rs1597063010, ClinGen allele CA394301247.

ClinVar aggregate classification (germline): Uncertain significance (1 of 4 stars; one submission).

Submission:

Labcorp Genetics (formerly Invitae), Labcorp
Classification: Uncertain significance. Last evaluated: 2022-08-05. Review status: criteria provided, single submitter. Criteria: Invitae Variant Classification Sherloc (09022015). Collection method: clinical testing. Allele origin: germline.
Comment: This sequence change replaces valine, which is neutral and non-polar, with leucine, which is neutral and non-polar, at codon 61 of the GFER protein (p.Val61Leu). This variant is not present in population databases (gnomAD no frequency). This variant has not been reported in the literature in individuals affected with GFER-related conditions. Algorithms developed to predict the effect of missense changes on protein structure and function (SIFT, PolyPhen-2, Align-GVGD) all suggest that this variant is likely to be tolerated. In summary, the available evidence is currently insufficient to determine the role of this variant in disease. Therefore, it has been classified as a Variant of Uncertain Significance.